The following is an entry in ClinVar:

NM_032520.5(GNPTG):c.638_639del (p.Leu212_Phe213insTer)

Gene: GNPTG (N-acetylglucosamine-1-phosphate transferase subunit gamma; plus strand). Cytogenetic location: 16p13.3.
Variant type: Deletion.
Coding change: c.638_639del on transcript NM_032520.5 (MANE Select); coding-DNA positions 638 to 639, 2 bases deleted (TT; older notation c.638_639delTT).
Protein change: p.Leu212_Phe213insTer.
Molecular consequence: nonsense.
Genome position (GRCh38, 1-based): chr16:1,362,639-1,362,640, TT deleted; deleting any 2 consecutive bases within chr16:1,362,636-1,362,640 gives the same sequence; the c. name uses the placement nearest the transcript's 3' end. VCF-style (leftmost placement, unchanged base first): chr16-1362635-CTT-C. GRCh37 (hg19) VCF-style: chr16-1412636-CTT-C.
Other names: c.638_639delTT (NM_032520.4).
Identifiers: ClinVar variation 1526169 (VCV001526169.8), dbSNP rs193302858, ClinGen allele CA7807858.

ClinVar aggregate classification (germline): Pathogenic/Likely pathogenic. Review status: criteria provided, multiple submitters, no conflicts (2 of 4 stars). 4 submissions from 4 submitters: Pathogenic (3); Likely pathogenic (1). Last evaluated 2025-10-15.

Conditions:
GNPTG-related disorder. Also called: GNPTG-related condition.
GNPTG-mucolipidosis. Also called: Mucolipidosis type III gamma; MUCOLIPIDOSIS III, COMPLEMENTATION GROUP C; MUCOLIPIDOSIS III, IRANIAN VARIANT FORM; MUCOLIPIDOSIS III, VARIANT FORM; ML III GAMMA; ML IIIC. Identifiers: Orphanet 423470, Orphanet 577, MedGen C1854896, MONDO:0009652, OMIM 252605.

Submissions (4):

Natera, Inc.
Classification: Pathogenic for Mucolipidosis III gamma. Last evaluated: 2025-10-15. Review status: criteria provided, single submitter. Criteria: Natera Variant Classification Schema (03/2026). Collection method: clinical testing. Allele origin: germline.
Comment: The c.638_639delTT variant in GNPTG is a frameshift variant predicted to shift the reading frame and introduce a stop codon. This variant is expected to result in nonsense mediated decay, truncation, or a dysfunctional protein product. This variant is rare in the general population with a frequency below the threshold expected for the associated phenotype(s). This variant has been observed in one or more individuals affected with the associated recessive disease, as either homozygous or compound heterozygous with a second variant (PMID: 28950892). Additionally, this variant has been observed to segregate in affected family members (PMID: 28950892). Given the available evidence, this variant is classified as Pathogenic.

3billion
Classification: Pathogenic for GNPTG-mucolipidosis. Last evaluated: 2022-03-22. Review status: criteria provided, single submitter. Criteria: ACMG Guidelines, 2015. Collection method: clinical testing. Allele origin: germline. Affected: yes. Observed: 1 homozygote.
Comment: Frameshift: predicted to result in a loss or disruption of normal protein function through nonsense-mediated decay (NMD) or protein truncation. Multiple pathogenic variants are reported downstream of the variant.It is observed at an extremely low frequency in the gnomAD v2.1.1 dataset (total allele frequency:0.0000119). The variant has been reported to be in trans with a pathogenic variant as either compound heterozygous or homozygous in at least one similarly affected unrelated individual(PMID: 28950892). Therefore, this variant is classified as pathogenic according to the recommendation of ACMG/AMP guideline.

Labcorp Genetics (formerly Invitae), Labcorp
Classification: Pathogenic. Last evaluated: 2022-03-22. Review status: criteria provided, single submitter. Criteria: Invitae Variant Classification Sherloc (09022015). Collection method: clinical testing. Allele origin: germline.
Comment: This premature translational stop signal has been observed in individual(s) with mucolipidosis type III gamma (PMID: 28950892). It has also been observed to segregate with disease in related individuals. For these reasons, this variant has been classified as Pathogenic. This variant is present in population databases (rs746271025, gnomAD 0.01%). This sequence change creates a premature translational stop signal (p.Phe213*) in the GNPTG gene. It is expected to result in an absent or disrupted protein product. Loss-of-function variants in GNPTG are known to be pathogenic (PMID: 19370764, 20301784).

Blueprint Genetics
Classification: Likely pathogenic for GNPTG-related disorders. Last evaluated: 2018-10-24. Review status: criteria provided, single submitter. Criteria: ACMG Guidelines, 2015. Collection method: clinical testing. Allele origin: germline. Affected: yes. Observed: 1 variant allele.

Literature cited by the submitters: PubMed 28950892 (cited by 3 submitters); PubMed 19370764 (cited by Labcorp Genetics (formerly Invitae), Labcorp); PubMed 20301784 (cited by Labcorp Genetics (formerly Invitae), Labcorp).